The following is an entry in ClinVar:

ClinVar aggregate classification (germline): Pathogenic (1 of 4 stars; one submission).

Submission:

Labcorp Genetics (formerly Invitae), Labcorp
Classification: Pathogenic. Last evaluated: 2021-07-26. Review status: criteria provided, single submitter. Criteria: Invitae Variant Classification Sherloc (09022015). Collection method: clinical testing. Allele origin: germline.
Comment: For these reasons, this variant has been classified as Pathogenic. Algorithms developed to predict the effect of sequence changes on RNA splicing suggest that this variant may create or strengthen a splice site. This variant has not been reported in the literature in individuals affected with TULP1-related conditions. This variant is not present in population databases (ExAC no frequency). This sequence change creates a premature translational stop signal (p.Gln451*) in the TULP1 gene. It is expected to result in an absent or disrupted protein product. Loss-of-function variants in TULP1 are known to be pathogenic (PMID: 8606774, 10549638, 15024725, 18055821).

Literature cited by the submitters: PubMed 8606774; PubMed 10549638; PubMed 15024725; PubMed 18055821.

NM_003322.6(TULP1):c.1351C>T (p.Gln451Ter)

Gene: TULP1 (TUB like protein 1; minus strand). Cytogenetic location: 6p21.31.
Variant type: single nucleotide variant.
Coding change: c.1351C>T on transcript NM_003322.6 (MANE Select); coding-DNA position 1351, C replaced by T.
Protein change: p.Gln451Ter; replaces glutamine 451 with a stop codon.
Molecular consequence: nonsense.
Genome position (GRCh38, 1-based): chr6:35,500,125, G>A on the plus strand (C>T on the coding strand, the complement: TULP1 is on the minus strand). VCF-style: chr6-35500125-G-A. GRCh37 (hg19) VCF-style: chr6-35467902-G-A.
Other names: c.1192C>T, p.Gln398Ter (NM_001289395.2); short protein forms Q398*, Q451*.
Identifiers: ClinVar variation 1446615 (VCV001446615.6), dbSNP rs1487555931, ClinGen allele CA363778939.